The following is an entry in ClinVar:

ClinVar aggregate classification (germline): Likely benign. Review status: criteria provided, single submitter (1 of 4 stars). 2 submissions from 2 submitters: Likely benign (1). 1 of the submissions does not count toward it. Last evaluated 2026-01-08.

Conditions:
LRRK1-related disorder. Also called: LRRK1-related condition.

Allele frequency attached by ClinVar (database versions not stated): ESP Exome Variant Server 0.00024; 1000 Genomes Project 30x 0.00031; 1000 Genomes Project 0.00040; TOPMed 0.00040; gnomAD 0.00041.
gnomAD v4.1: 902 of 1,612,884 alleles (0.056%); highest among the groups gnomAD compares: South Asian, 0.12%; 1 homozygote.

Submissions (2):

Labcorp Genetics (formerly Invitae), Labcorp
Classification: Likely benign. Last evaluated: 2026-01-08. Review status: criteria provided, single submitter. Criteria: Invitae Variant Classification Sherloc (09022015). Collection method: clinical testing. Allele origin: germline.

PreventionGenetics, part of Exact Sciences
Classification: Likely benign for LRRK1-related condition. Last evaluated: 2019-05-07. Review status: no assertion criteria provided. Collection method: clinical testing. Allele origin: germline. Not counted in ClinVar's aggregate classification.
Comment: This variant is classified as likely benign based on ACMG/AMP sequence variant interpretation guidelines (Richards et al. 2015 PMID: 25741868, with internal and published modifications).

NM_024652.6(LRRK1):c.4365C>T (p.Tyr1455=)

Genes: LRRK1-AS1 (LRRK1 antisense RNA 1; minus strand), LRRK1 (leucine rich repeat kinase 1; plus strand). Cytogenetic location: 15q26.3.
Variant type: single nucleotide variant.
Coding change: c.4365C>T on transcript NM_024652.6 (MANE Select); coding-DNA position 4365, C replaced by T.
Protein change: p.Tyr1455=; no amino-acid change (tyrosine 1455 retained).
Molecular consequence: synonymous variant.
Genome position (GRCh38, 1-based): chr15:101,056,888, C>T. VCF-style: chr15-101056888-C-T. GRCh37 (hg19) VCF-style: chr15-101597093-C-T.
Other names: c.4365C>T (NM_024652.5).
Identifiers: ClinVar variation 1586778 (VCV001586778.10), dbSNP rs61733306, ClinGen allele CA7761826.